The following is an entry in ClinVar:

ClinVar aggregate classification (germline): Uncertain significance. Review status: criteria provided, multiple submitters, no conflicts (2 of 4 stars). 2 submissions from 2 submitters: Uncertain significance (2). Last evaluated 2025-10-07.

Conditions:
Cardiovascular phenotype. Identifiers: MedGen CN230736.

Submissions (2):

Women's Health and Genetics/Laboratory Corporation of America, LabCorp
Classification: Uncertain significance. Last evaluated: 2025-10-07. Review status: criteria provided, single submitter. Criteria: LabCorp Variant Classification Summary - May 2015. Collection method: clinical testing. Allele origin: germline.
Comment: Variant summary: ZNF469 c.10700_10702delinsAAA (p.Gly3567_Asp3568delinsGluAsn) results in an in-frame deletion-insertion that is predicted to delete two amino acids from the protein and also cause changes in two amino acids. The variant was absent in 184492 control chromosomes. The available data on variant occurrences in the general population are insufficient to allow any conclusion about variant significance. To our knowledge, no occurrence of c.10700_10702delinsAAA in individuals affected with ZNF469-related conditions and no experimental evidence demonstrating its impact on protein function have been reported. ClinVar contains an entry for this variant (Variation ID: 3821086). Based on the evidence outlined above, the variant was classified as uncertain significance.

Ambry Genetics
Classification: Uncertain significance for Cardiovascular phenotype. Last evaluated: 2025-03-01. Review status: criteria provided, single submitter. Criteria: Ambry Variant Classification Scheme 2023. Collection method: clinical testing. Allele origin: germline.
Comment: The c.10616_10618delGAGinsAAA variant, located in coding exon 2 of the ZNF469 gene, results from an in-frame deletion of GAG and insertion of AAA at nucleotide positions 10616 to 10618. This results in the substitution of the residues at codon 3539 and 3540. This amino acid positions are poorly conserved in available vertebrate species. In addition, this alteration is predicted to be neutral by in silico analysis (Choi Y et al. PLoS ONE. 2012; 7(10):e46688). Based on the available evidence, the clinical significance of this variant remains unclear.

NM_001367624.2(ZNF469):c.10700_10702delinsAAA (p.Gly3567_Asp3568delinsGluAsn)

Gene: ZNF469 (zinc finger protein 469; plus strand). Cytogenetic location: 16q24.2.
Variant type: Indel.
Coding change: c.10700_10702delinsAAA on transcript NM_001367624.2 (MANE Select); coding-DNA positions 10700 to 10702, GAG replaced by AAA.
Protein change: p.Gly3567_Asp3568delinsGluAsn.
Molecular consequence: missense variant.
Genome position (GRCh38, 1-based): chr16:88,438,170-88,438,172, GAG replaced by AAA. VCF-style: chr16-88438170-GAG-AAA. GRCh37 (hg19) VCF-style: chr16-88504578-GAG-AAA.
Other names: NM_001127464.1:c.10616_10618delGAGinsAAA.
Identifiers: ClinVar variation 3821086 (VCV003821086.2).